The following is an entry in ClinVar:

ClinVar aggregate classification (germline): Uncertain significance (1 of 4 stars; one submission).

gnomAD v4.1: 31 of 1,208,169 alleles (0.0026%); highest among the groups gnomAD compares: Non-Finnish European, 0.0032%; no homozygotes.

Submission:

Ambry Genetics
Classification: Uncertain significance. Last evaluated: 2026-02-17. Review status: criteria provided, single submitter. Criteria: Ambry Variant Classification Scheme 2023. Collection method: clinical testing. Allele origin: germline.
Comment: The c.344A>G (p.K115R) alteration is located in exon 3 (coding exon 1) of the MAGEA6 gene. This alteration results from a A to G substitution at nucleotide position 344, causing the lysine (K) at amino acid position 115 to be replaced by an arginine (R). Based on data from gnomAD, the G allele has an overall frequency of 0.003% (5/183348) total alleles studied. The highest observed frequency was 0.006% (5/81874) of European (non-Finnish) alleles. Based on insufficient or conflicting evidence, the clinical significance of this alteration remains unclear.

NM_005363.5(MAGEA6):c.344A>G (p.Lys115Arg)

Gene: MAGEA6 (MAGE family member A6). Cytogenetic location: Xq28.
Variant type: single nucleotide variant.
Coding change: c.344A>G on transcript NM_005363.5 (MANE Select); coding-DNA position 344, A replaced by G.
Protein change: p.Lys115Arg; replaces lysine 115 with arginine.
Molecular consequence: missense variant.
Genome position (GRCh38, 1-based): chrX:152,767,307, T>C on the plus strand (A>G on the coding strand, the complement: MAGEA6 is on the minus strand). VCF-style: chrX-152767307-T-C. GRCh37 (hg19) VCF-style: chrX-151869654-A-G.
Other names: c.344A>G, p.Lys115Arg (NM_175868.4); short protein forms K115R.
Identifiers: ClinVar variation 4830565 (VCV004830565.1).